The following is an entry in ClinVar:

ClinVar aggregate classification (germline): Pathogenic (1 of 4 stars; one submission).

Submission:

Labcorp Genetics (formerly Invitae), Labcorp
Classification: Pathogenic. Last evaluated: 2023-01-18. Review status: criteria provided, single submitter. Criteria: Invitae Variant Classification Sherloc (09022015). Collection method: clinical testing. Allele origin: unknown.
Comment: For these reasons, this variant has been classified as Pathogenic. This variant has not been reported in the literature in individuals affected with PHYH-related conditions. This variant is a gross deletion of the genomic region encompassing exon(s) 3-6 of the PHYH gene. This deletion is out-of-frame, and is expected to create a premature termination codon and result in an absent or disrupted protein product. Loss-of-function variants in PHYH are known to be pathogenic (PMID: 9326940, 14974078).

Literature cited by the submitters: PubMed 9326940; PubMed 14974078.

NC_000010.10:g.(?_13330340)_(13337626_?)del

Gene: PHYH (phytanoyl-CoA 2-hydroxylase; minus strand). Cytogenetic location: 10p13.
Variant type: Deletion.
Identifiers: ClinVar variation 3244980 (VCV003244980.1).